The following is an entry in ClinVar:

NM_001098.3(ACO2):c.1562A>G (p.Lys521Arg)

Gene: ACO2 (aconitase 2; plus strand). Cytogenetic location: 22q13.2.
Variant type: single nucleotide variant.
Coding change: c.1562A>G on transcript NM_001098.3 (MANE Select); coding-DNA position 1562, A replaced by G.
Protein change: p.Lys521Arg; replaces lysine 521 with arginine.
Molecular consequence: missense variant.
Genome position (GRCh38, 1-based): chr22:41,524,925, A>G. VCF-style: chr22-41524925-A-G. GRCh37 (hg19) VCF-style: chr22-41920929-A-G.
Other names: c.1562A>G (NM_001098.2); short protein forms K521R.
Identifiers: ClinVar variation 1354661 (VCV001354661.9), dbSNP rs2066566266, ClinGen allele CA411727434.

ClinVar aggregate classification (germline): Uncertain significance. Review status: criteria provided, multiple submitters, no conflicts (2 of 4 stars). 2 submissions from 2 submitters: Uncertain significance (2). Last evaluated 2026-06-10.

Conditions:
Inborn genetic diseases. Identifiers: MedGen C0950123, MeSH D030342.

gnomAD v4.1: 1 of 1,614,174 alleles (0.000062%); highest among the groups gnomAD compares: South Asian, 0.0011%; no homozygotes.

Submissions (2):

Ambry Genetics
Classification: Uncertain significance for Inborn genetic diseases. Last evaluated: 2026-06-10. Review status: criteria provided, single submitter. Criteria: Ambry Variant Classification Scheme 2023. Collection method: clinical testing. Allele origin: germline.

Labcorp Genetics (formerly Invitae), Labcorp
Classification: Uncertain significance. Last evaluated: 2021-12-03. Review status: criteria provided, single submitter. Criteria: Invitae Variant Classification Sherloc (09022015). Collection method: clinical testing. Allele origin: germline.
Comment: This variant is not present in population databases (gnomAD no frequency). This sequence change replaces lysine, which is basic and polar, with arginine, which is basic and polar, at codon 521 of the ACO2 protein (p.Lys521Arg). This variant has not been reported in the literature in individuals affected with ACO2-related conditions. Advanced modeling of protein sequence and biophysical properties (such as structural, functional, and spatial information, amino acid conservation, physicochemical variation, residue mobility, and thermodynamic stability) performed at Invitae indicates that this missense variant is expected to disrupt ACO2 protein function. In summary, the available evidence is currently insufficient to determine the role of this variant in disease. Therefore, it has been classified as a Variant of Uncertain Significance.